The following is an entry in ClinVar:

ClinVar aggregate classification (germline): Uncertain significance (1 of 4 stars; one submission).

Submission:

Labcorp Genetics (formerly Invitae), Labcorp
Classification: Uncertain significance. Last evaluated: 2023-10-22. Review status: criteria provided, single submitter. Criteria: Invitae Variant Classification Sherloc (09022015). Collection method: clinical testing. Allele origin: germline.
Comment: This sequence change replaces asparagine, which is neutral and polar, with serine, which is neutral and polar, at codon 1179 of the CACNA1E protein (p.Asn1179Ser). This variant is not present in population databases (gnomAD no frequency). This variant has not been reported in the literature in individuals affected with CACNA1E-related conditions. Advanced modeling of protein sequence and biophysical properties (such as structural, functional, and spatial information, amino acid conservation, physicochemical variation, residue mobility, and thermodynamic stability) has been performed at Invitae for this missense variant, however the output from this modeling did not meet the statistical confidence thresholds required to predict the impact of this variant on CACNA1E protein function. In summary, the available evidence is currently insufficient to determine the role of this variant in disease. Therefore, it has been classified as a Variant of Uncertain Significance.

NM_001205293.3(CACNA1E):c.3536A>G (p.Asn1179Ser)

Gene: CACNA1E (calcium voltage-gated channel subunit alpha1 E; plus strand). Cytogenetic location: 1q25.3.
Variant type: single nucleotide variant.
Coding change: c.3536A>G on transcript NM_001205293.3 (MANE Select); coding-DNA position 3536, A replaced by G.
Protein change: p.Asn1179Ser; replaces asparagine 1179 with serine.
Molecular consequence: missense variant.
Genome position (GRCh38, 1-based): chr1:181,737,638, A>G. VCF-style: chr1-181737638-A-G. GRCh37 (hg19) VCF-style: chr1-181706774-A-G.
Other names: c.3536A>G, p.Asn1179Ser (NM_000721.4); c.3479A>G, p.Asn1160Ser (NM_001205294.2); short protein forms N1160S, N1179S.
Identifiers: ClinVar variation 2989024 (VCV002989024.3), dbSNP rs2528765293, ClinGen allele CA343622049.